The following is an entry in ClinVar:

ClinVar aggregate classification (germline): Benign/Likely benign. Review status: criteria provided, multiple submitters, no conflicts (2 of 4 stars). 3 submissions from 3 submitters: Benign (1); Likely benign (2). Last evaluated 2025-03-17.

Conditions:
Hereditary nonpolyposis colorectal neoplasms. Identifiers: MedGen C0009405, MeSH D003123.
Hereditary cancer-predisposing syndrome. Also called: Neoplastic Syndromes, Hereditary; Tumor predisposition; Hereditary Cancer Syndrome; Hereditary neoplastic syndrome. Identifiers: Orphanet 140162, MedGen C0027672, MeSH D009386, MONDO:0015356.
Lynch syndrome 5 (LYNCH5). Also called: Colorectal cancer, hereditary nonpolyposis, type 5; Hereditary non-polyposis colorectal cancer, type 5. Identifiers: Orphanet 144, MedGen C1833477, MONDO:0013710, OMIM 614350. Disease mechanism: loss of function.

gnomAD v4.1: 1 of 1,566,210 alleles (0.000064%); highest among the groups gnomAD compares: East Asian, 0.0022%; no homozygotes.

Submissions (3):

Labcorp Genetics (formerly Invitae), Labcorp
Classification: Likely benign for Hereditary nonpolyposis colorectal neoplasms. Last evaluated: 2025-03-17. Review status: criteria provided, single submitter. Criteria: Invitae Variant Classification Sherloc (09022015). Collection method: clinical testing. Allele origin: germline.

Myriad Genetics, Inc.
Classification: Benign for Lynch syndrome 5. Last evaluated: 2025-01-02. Review status: criteria provided, single submitter. Criteria: Myriad Autosomal Dominant, Autosomal Recessive and X-Linked Classification Criteria (2023). Collection method: clinical testing. Allele origin: unknown.
Comment: This variant is considered benign. This variant is a silent/synonymous amino acid change and it is not expected to impact splicing.

Ambry Genetics
Classification: Likely benign for Hereditary cancer-predisposing syndrome. Last evaluated: 2021-06-18. Review status: criteria provided, single submitter. Criteria: Ambry Variant Classification Scheme 2023. Collection method: clinical testing. Allele origin: germline.

NM_000179.3(MSH6):c.2976A>G (p.Glu992=)

Gene: MSH6 (mutS homolog 6; plus strand). Cytogenetic location: 2p16.3.
Variant type: single nucleotide variant.
Coding change: c.2976A>G on transcript NM_000179.3 (MANE Select); coding-DNA position 2976, A replaced by G.
Protein change: p.Glu992=; no amino-acid change (glutamic acid 992 retained).
Molecular consequence: synonymous variant.
Genome position (GRCh38, 1-based): chr2:47,800,959, A>G. VCF-style: chr2-47800959-A-G. GRCh37 (hg19) VCF-style: chr2-48028098-A-G.
Other names: c.2586A>G, p.Glu862= (NM_001281492.2); c.2070A>G, p.Glu690= (NM_001281493.2, NM_001281494.2).
Identifiers: ClinVar variation 1633288 (VCV001633288.11), dbSNP rs761938225, ClinGen allele CA069903.